The following is an entry in ClinVar:

NM_000543.5(SMPD1):c.778G>T (p.Glu260Ter)

Gene: SMPD1 (sphingomyelin phosphodiesterase 1; plus strand). Cytogenetic location: 11p15.4.
Variant type: single nucleotide variant.
Coding change: c.778G>T on transcript NM_000543.5 (MANE Select); coding-DNA position 778, G replaced by T.
Protein change: p.Glu260Ter; replaces glutamic acid 260 with a stop codon.
Molecular consequence: nonsense. On other transcripts: 5 prime UTR variant (1), non-coding transcript variant (1).
Genome position (GRCh38, 1-based): chr11:6,391,843, G>T. VCF-style: chr11-6391843-G-T. GRCh37 (hg19) VCF-style: chr11-6413073-G-T.
Other names: c.775G>T, p.Glu259Ter (NM_001007593.3); c.778G>T, p.Glu260Ter (NM_001318087.2, NM_001365135.2); c.-184G>T (NM_001318088.2); short protein forms E260*, E259*.
Identifiers: ClinVar variation 558334 (VCV000558334.3), dbSNP rs1554934406, ClinGen allele CA379370991.

ClinVar aggregate classification (germline): Likely pathogenic. Review status: criteria provided, single submitter (1 of 4 stars). 2 submissions from 2 submitters: Likely pathogenic (1). 1 of the submissions does not count toward it. Last evaluated 2024-05-01.

Conditions:
Niemann-Pick disease, type A. Also called: SPHINGOMYELIN LIPIDOSIS; SPHINGOMYELINASE DEFICIENCY; Infantile Neurovisceral ASMD (Niemann-Pick Disease Type A; NPD-A). Identifiers: Orphanet 77292, MedGen C0268242, MONDO:0009756, OMIM 257200. Disease mechanism: loss of function.

Submissions (2):

Natera, Inc.
Classification: Likely pathogenic for Niemann-Pick Disease, Types A/B. Last evaluated: 2024-05-01. Review status: criteria provided, single submitter. Criteria: Natera Variant Classification Schema (03/2026). Collection method: clinical testing. Allele origin: germline.
Comment: The c.778G>T variant in SMPD1 is a nonsense variant predicted to introduce a stop codon at amino acid 260. This variant is expected to result in nonsense mediated decay, truncation, or a dysfunctional protein product. This variant is rare in the general population with a frequency below the threshold expected for the associated phenotype(s). Functional studies show that this variant may disrupt protein function (PMID: 8664904). Given the available evidence, this variant is classified as Likely Pathogenic.

Counsyl
Classification: Likely pathogenic for Niemann-Pick disease, type A. Last evaluated: 2018-05-14. Review status: no assertion criteria provided. Collection method: clinical testing. Allele origin: unknown. Not counted in ClinVar's aggregate classification.

Literature cited by the submitters: PubMed 8664904 (cited by Natera, Inc. and Counsyl).